The following is an entry in ClinVar:

ClinVar aggregate classification (germline): Uncertain significance (1 of 4 stars; one submission).

Conditions:
Hereditary cancer-predisposing syndrome. Also called: Hereditary Cancer Syndrome; Hereditary neoplastic syndrome; Neoplastic Syndromes, Hereditary; Tumor predisposition. Identifiers: Orphanet 140162, MedGen C0027672, MeSH D009386, MONDO:0015356.

Submission:

Ambry Genetics
Classification: Uncertain significance for Hereditary cancer-predisposing syndrome. Last evaluated: 2025-08-06. Review status: criteria provided, single submitter. Criteria: Ambry Variant Classification Scheme 2023. Collection method: clinical testing. Allele origin: germline.
Comment: The p.L474I variant (also known as c.1420C>A), located in coding exon 11 of the POLD1 gene, results from a C to A substitution at nucleotide position 1420. The leucine at codon 474 is replaced by isoleucine, an amino acid with highly similar properties. This amino acid position is highly conserved in available vertebrate species. In addition, the in silico prediction for this alteration is inconclusive. Based on the available evidence, the clinical significance of this variant remains unclear.

NM_002691.4(POLD1):c.1420C>A (p.Leu474Ile)

Gene: POLD1 (DNA polymerase delta 1, catalytic subunit; plus strand). Cytogenetic location: 19q13.33.
Variant type: single nucleotide variant.
Coding change: c.1420C>A on transcript NM_002691.4 (MANE Select); coding-DNA position 1420, C replaced by A.
Protein change: p.Leu474Ile; replaces leucine 474 with isoleucine.
Molecular consequence: missense variant. On other transcripts: non-coding transcript variant (1).
Genome position (GRCh38, 1-based): chr19:50,406,443, C>A. VCF-style: chr19-50406443-C-A. GRCh37 (hg19) VCF-style: chr19-50909700-C-A.
Other names: c.1420C>A, p.Leu474Ile (NM_001256849.1, NM_001308632.1); short protein forms L474I.
Identifiers: ClinVar variation 1772249 (VCV001772249.3), dbSNP rs2513994773, ClinGen allele CA406980101.